The following is an entry in ClinVar:

NC_000002.12:g.121530934G>C

Genes: CLASP1 (cytoplasmic linker associated protein 1; minus strand), CLASP1-AS1 (CLASP1 antisense RNA 1; plus strand), RNU4ATAC (RNA, U4atac small nuclear; plus strand). Cytogenetic location: 2q14.2.
Variant type: single nucleotide variant.
Molecular consequence: intron variant (on NM_001395891.1).
Genome position: GRCh38 VCF-style: chr2-121530934-G-C. GRCh37 (hg19) VCF-style: chr2-122288510-G-C.
Other names: c.196-609C>G (NM_001142274.2, NM_015282.3, NM_001378003.1 and 5 more transcripts).
Identifiers: ClinVar variation 1434218 (VCV001434218.6), dbSNP rs575472572, ClinGen allele CA428887975.

ClinVar aggregate classification (germline): Conflicting classifications of pathogenicity. Review status: criteria provided, conflicting classifications (1 of 4 stars). 2 submissions from 2 submitters: Likely pathogenic (1); Uncertain significance (1). Last evaluated 2026-01-18.

Conditions:
RNU4ATAC spectrum disorder. Also called: RNU4atac-opathy. Identifiers: MedGen CN377746, MONDO:0100558.

gnomAD v4.1: 6 of 700,286 alleles (0.00086%); highest among the groups gnomAD compares: East Asian, 0.0054%; no homozygotes.

Submissions (2):

Labcorp Genetics (formerly Invitae), Labcorp
Classification: Uncertain significance. Last evaluated: 2026-01-18. Review status: criteria provided, single submitter. Criteria: Invitae Variant Classification Sherloc (09022015). Collection method: clinical testing. Allele origin: germline.
Comment: This variant occurs in the RNU4ATAC gene, which encodes an RNA molecule that does not result in a protein product. This variant is present in population databases (no rsID available, gnomAD 0.01%). This variant has not been reported in the literature in individuals affected with RNU4ATAC-related conditions. ClinVar contains an entry for this variant (Variation ID: 1434218). This variant is located within the 5' stem-loop region of the RNU4ATAC RNA, which includes the 15.5K binding site and is important for spliceosome assembly (PMID: 32628740). A significant number of disease-associated RNU4ATAC variants are found in this region (PMID: 32628740, 30368667). In summary, the available evidence is currently insufficient to determine the role of this variant in disease. Therefore, it has been classified as a Variant of Uncertain Significance.

Broad Center for Mendelian Genomics, Broad Institute of MIT and Harvard
Classification: Likely pathogenic for RNU4ATAC spectrum disorder. Last evaluated: 2025-08-25. Review status: criteria provided, single submitter. Criteria: Ellingford et al. (Genome Med. 2022). Collection method: curation. Allele origin: germline. Inheritance: Autosomal recessive inheritance.
Comment: Sanger sequencing revealed that this variant was in trans with the likely pathogenic variant. The variant has not been previously reported in the literature in individuals with RNU4ATAC spectrum disorder, but has been identified in 0.005% (2/37312) of East Asian chromosomes by the Genome Aggregation Database (gnomAD; dbSNP rs575472572). Although this variant has been seen in the general population in a heterozygous state, its frequency is low enough to be consistent with a recessive carrier frequency. This variant has also been reported in ClinVar (VCV001434218.5) and has been interpreted as a variant of uncertain significance by Labcorp Genetics. The n.55G>C variant is located in the 5' Stem Loop region of RNU4ATAC where several other variants have been identified, suggesting that this variant is in a functional domain and supports pathogenicity (PMID: 26522830, 32628740). One pathogenic variant (n.55G>A), at the same position of this variant, has been reported in association with RNU4ATAC spectrum disorder in the literature/ClinVar, slightly supporting that this variant may be pathogenic (VCV000030179.13). In summary, while there is some suspicion for a pathogenic role, the clinical significance of this variant is uncertain. ACMG/AMP Criteria applied: PM1, PM3, PM2_supporting, PS1_supporting (Richards 2015).

Literature cited by the submitters: PubMed 32628740 (cited by Labcorp Genetics (formerly Invitae), Labcorp); PubMed 30368667 (cited by Labcorp Genetics (formerly Invitae), Labcorp).